The following is an entry in ClinVar:

NM_017986.4(SLC52A1):c.163G>T (p.Val55Leu)

Gene: SLC52A1 (solute carrier family 52 member 1; minus strand). Cytogenetic location: 17p13.2.
Variant type: single nucleotide variant.
Coding change: c.163G>T on transcript NM_017986.4 (MANE Select); coding-DNA position 163, G replaced by T.
Protein change: p.Val55Leu; replaces valine 55 with leucine.
Molecular consequence: missense variant.
Genome position (GRCh38, 1-based): chr17:5,034,326, C>A on the plus strand (G>T on the coding strand, the complement: SLC52A1 is on the minus strand). VCF-style: chr17-5034326-C-A. GRCh37 (hg19) VCF-style: chr17-4937621-C-A.
Other names: c.163G>T, p.Val55Leu (NM_001104577.2); short protein forms V55L.
Identifiers: ClinVar variation 3699084 (VCV003699084.2).
Genomic context (GRCh38, chr17:5,034,326, plus strand): 5'-TGCCCGGGGCCAGCTGCCTCCACAGGGTCACCACCAGCAGACCCAGGTTTCCCAGCGCCA[C>A]AACCACAGAGAGGTATGAGGGGAGGCTCCAACCTGCAGGGAAGGAATGATGCCATGTCAG-3'
Protein context (NP_060456.3, residues 45-65): WSLPSYLSVV[Val55Leu]ALGNLGLLVV

ClinVar aggregate classification (germline): Uncertain significance (1 of 4 stars; one submission).

Conditions:
Vitamin B2 deficiency. Identifiers: MedGen C0035528.

gnomAD v4.1: 11 of 1,588,810 alleles (0.00069%); highest among the groups gnomAD compares: Non-Finnish European, 0.00086%; no homozygotes.

Submission:

Labcorp Genetics (formerly Invitae), Labcorp
Classification: Uncertain significance for Vitamin B2 deficiency. Last evaluated: 2024-12-11. Review status: criteria provided, single submitter. Criteria: Invitae Variant Classification Sherloc (09022015). Collection method: clinical testing. Allele origin: germline.
Comment: This sequence change replaces valine, which is neutral and non-polar, with leucine, which is neutral and non-polar, at codon 55 of the SLC52A1 protein (p.Val55Leu). The frequency data for this variant in the population databases is considered unreliable, as metrics indicate poor data quality at this position in the gnomAD database. This variant has not been reported in the literature in individuals affected with SLC52A1-related conditions. Invitae Evidence Modeling of protein sequence and biophysical properties (such as structural, functional, and spatial information, amino acid conservation, physicochemical variation, residue mobility, and thermodynamic stability) indicates that this missense variant is not expected to disrupt SLC52A1 protein function with a negative predictive value of 80%. In summary, the available evidence is currently insufficient to determine the role of this variant in disease. Therefore, it has been classified as a Variant of Uncertain Significance.